The following is an entry in ClinVar:

NM_199420.4(POLQ):c.3884C>A (p.Thr1295Lys)

Gene: POLQ (DNA polymerase theta; minus strand). Cytogenetic location: 3q13.33.
Variant type: single nucleotide variant.
Coding change: c.3884C>A on transcript NM_199420.4 (MANE Select); coding-DNA position 3884, C replaced by A.
Protein change: p.Thr1295Lys; replaces threonine 1295 with lysine.
Molecular consequence: missense variant.
Genome position (GRCh38, 1-based): chr3:121,489,047, G>T on the plus strand (C>A on the coding strand, the complement: POLQ is on the minus strand). VCF-style: chr3-121489047-G-T. GRCh37 (hg19) VCF-style: chr3-121207894-G-T.
Other names: short protein forms T1295K.
Identifiers: ClinVar variation 2497181 (VCV002497181.2), dbSNP rs767612456, ClinGen allele CA2562995.

ClinVar aggregate classification (germline): Uncertain significance (1 of 4 stars; one submission).

gnomAD v4.1: 3 of 1,613,180 alleles (0.00019%); highest among the groups gnomAD compares: Non-Finnish European, 0.00025%; no homozygotes.

Submission:

Ambry Genetics
Classification: Uncertain significance. Last evaluated: 2023-01-06. Review status: criteria provided, single submitter. Criteria: Ambry Variant Classification Scheme 2023. Collection method: clinical testing. Allele origin: germline.
Comment: The p.T1295K variant (also known as c.3884C>A), located in coding exon 16 of the POLQ gene, results from a C to A substitution at nucleotide position 3884. The threonine at codon 1295 is replaced by lysine, an amino acid with similar properties. This amino acid position is conserved. In addition, this alteration is predicted to be tolerated by in silico analysis. Since supporting evidence is limited at this time, the clinical significance of this alteration remains unclear.